The following is an entry in ClinVar:

NM_001482.3(GATM):c.506G>C (p.Arg169Pro)

Gene: GATM (glycine amidinotransferase; minus strand). Cytogenetic location: 15q21.1.
Variant type: single nucleotide variant.
Coding change: c.506G>C on transcript NM_001482.3 (MANE Select); coding-DNA position 506, G replaced by C.
Protein change: p.Arg169Pro; replaces arginine 169 with proline.
Molecular consequence: missense variant.
Genome position (GRCh38, 1-based): chr15:45,368,239, C>G on the plus strand (G>C on the coding strand, the complement: GATM is on the minus strand). VCF-style: chr15-45368239-C-G. GRCh37 (hg19) VCF-style: chr15-45660437-C-G.
Other names: c.119G>C, p.Arg40Pro (NM_001321015.2); short protein forms R169P, R40P.
Identifiers: ClinVar variation 3691669 (VCV003691669.2).

ClinVar aggregate classification (germline): Uncertain significance (1 of 4 stars; one submission).

Conditions:
Arginine:glycine amidinotransferase deficiency (CCDS3). Also called: AGAT deficiency; L-Arginine:Glycine Amidinotransferase Deficiency; Creatine deficiency syndrome due to AGAT deficiency; GATM deficiency; L-Arginine:Glycine Amidinotransferase (AGAT) Deficiency; Cerebral creatine deficiency syndrome 3. Identifiers: Orphanet 35704, MedGen C2675179, MONDO:0012996, OMIM 612718.

Submission:

Labcorp Genetics (formerly Invitae), Labcorp
Classification: Uncertain significance for Arginine:glycine amidinotransferase deficiency. Last evaluated: 2024-11-05. Review status: criteria provided, single submitter. Criteria: Invitae Variant Classification Sherloc (09022015). Collection method: clinical testing. Allele origin: germline.
Comment: This sequence change replaces arginine, which is basic and polar, with proline, which is neutral and non-polar, at codon 169 of the GATM protein (p.Arg169Pro). This variant is not present in population databases (gnomAD no frequency). This variant has not been reported in the literature in individuals affected with GATM-related conditions. Invitae Evidence Modeling of protein sequence and biophysical properties (such as structural, functional, and spatial information, amino acid conservation, physicochemical variation, residue mobility, and thermodynamic stability) indicates that this missense variant is expected to disrupt GATM protein function with a positive predictive value of 95%. In summary, the available evidence is currently insufficient to determine the role of this variant in disease. Therefore, it has been classified as a Variant of Uncertain Significance.